The following is an entry in ClinVar:

NM_001211.6(BUB1B):c.99G>T (p.Arg33Ser)

Gene: BUB1B (BUB1 mitotic checkpoint serine/threonine kinase B; plus strand). Cytogenetic location: 15q15.1.
Variant type: single nucleotide variant.
Coding change: c.99G>T on transcript NM_001211.6 (MANE Select); coding-DNA position 99, G replaced by T.
Protein change: p.Arg33Ser; replaces arginine 33 with serine.
Molecular consequence: missense variant.
Genome position (GRCh38, 1-based): chr15:40,165,116, G>T. VCF-style: chr15-40165116-G-T. GRCh37 (hg19) VCF-style: chr15-40457317-G-T.
Other names: short protein forms R33S.
Identifiers: ClinVar variation 4216920 (VCV004216920.1).
Genomic context (GRCh38, chr15:40,165,116, plus strand): 5'-AGCCATGTCCCTGGAGGGAGATGAATGGGAACTGAGTAAAGAAAATGTACAACCTTTAAG[G>T]CAAGGGCGGATCATGTCCACGCTTCAGGGAGCACTGGCACAAGAATCTGCCTGTAACAAT-3'
Protein context (NP_001202.5, residues 23-43): ELSKENVQPL[Arg33Ser]QGRIMSTLQG

ClinVar aggregate classification (germline): Uncertain significance (1 of 4 stars; one submission).

Conditions:
Inborn genetic diseases. Identifiers: MedGen C0950123, MeSH D030342.

Submission:

Ambry Genetics
Classification: Uncertain significance for Inborn genetic diseases. Last evaluated: 2025-08-11. Review status: criteria provided, single submitter. Criteria: Ambry Variant Classification Scheme 2023. Collection method: clinical testing. Allele origin: germline.
Comment: The p.R33S variant (also known as c.99G>T), located in coding exon 2 of the BUB1B gene, results from a G to T substitution at nucleotide position 99. The arginine at codon 33 is replaced by serine, an amino acid with dissimilar properties. This amino acid position is conserved. In addition, the in silico prediction for this alteration is inconclusive. Based on the available evidence, the clinical significance of this variant remains unclear.